The following is an entry in ClinVar:

NM_001382567.1(STIM1):c.1634+287G>A

Gene: STIM1 (stromal interaction molecule 1; plus strand). Cytogenetic location: 11p15.4.
Variant type: single nucleotide variant.
Coding change: c.1634+287G>A on transcript NM_001382567.1 (MANE Select); 287 bases into the intron after coding-DNA position 1634, G replaced by A.
Molecular consequence: intron variant. On other transcripts: missense variant (2).
Genome position (GRCh38, 1-based): chr11:4,086,830, G>A. VCF-style: chr11-4086830-G-A. GRCh37 (hg19) VCF-style: chr11-4108060-G-A.
Other names: p.?; c.1828G>A, p.Ala610Thr (NM_001277961.3); c.1606G>A, p.Ala536Thr (NM_001382566.1); c.1319+287G>A (NM_001382578.1, NM_001382575.1, NM_001382576.1 and 2 more transcripts); c.1052+287G>A (NM_001382580.1, NM_001382581.1); c.1562+287G>A (NM_001382568.1); c.1541+287G>A (NM_001277962.2, NM_003156.4); c.1313+287G>A (NM_001382570.1); and 3 more; short protein forms A610T, A536T.
Identifiers: ClinVar variation 461722 (VCV000461722.46), dbSNP rs562406813, ClinGen allele CA5830566.

ClinVar aggregate classification (germline): Conflicting classifications of pathogenicity. Review status: criteria provided, conflicting classifications (1 of 4 stars). 7 submissions from 7 submitters: Uncertain significance (2); Benign (2); Likely benign (2). 1 of the submissions does not count toward it. Last evaluated 2026-09-01.

Conditions:
Stormorken syndrome (STRMK). Also called: THROMBOCYTOPATHY, ASPLENIA, AND MIOSIS. Identifiers: Orphanet 3204, MedGen C1861451, MONDO:0008497, OMIM 185070.
Combined immunodeficiency due to STIM1 deficiency. Also called: STIM1 DEFICIENCY; IMMUNODEFICIENCY 10. Identifiers: Orphanet 169090, Orphanet 317430, MedGen C2748557, MONDO:0013008, OMIM 612783.
Myopathy with tubular aggregates (TAM). Also called: Tubular Aggregate Myopathy. Identifiers: Orphanet 2593, MedGen C0410207, MONDO:0008051.
STIM1-related disorder. Also called: STIM1-related condition.
Myopathy, tubular aggregate, 1 (TAM1). Identifiers: MedGen C4011726, MONDO:0024531, OMIM 160565.

Allele frequency attached by ClinVar (database versions not stated): 1000 Genomes Project 0.00020; 1000 Genomes Project 30x 0.00031; ExAC 0.00130; TOPMed 0.00141; gnomAD exomes 0.00148 and 0.00193; gnomAD 0.00155 and 0.00157.
gnomAD v4.1: 2,875 of 1,535,490 alleles (0.19%); highest among the groups gnomAD compares: Non-Finnish European, 0.22%; 8 homozygotes.

Submissions (7):

CeGaT Center for Human Genetics Tuebingen
Classification: Likely benign. Last evaluated: 2026-09-01. Review status: criteria provided, single submitter. Criteria: CeGaT Center For Human Genetics Tuebingen Variant Classification Criteria Version 2. Collection method: clinical testing. Allele origin: germline. Affected: yes. Observed: 23 variant alleles.
Comment: STIM1: BP4, BS2

Labcorp Genetics (formerly Invitae), Labcorp
Classification: Benign for Myopathy with tubular aggregates; Combined immunodeficiency due to STIM1 deficiency; Stormorken syndrome. Last evaluated: 2025-10-02. Review status: criteria provided, single submitter. Criteria: Invitae Variant Classification Sherloc (09022015). Collection method: clinical testing. Allele origin: germline.

Blueprint Genetics
Classification: Likely benign. Last evaluated: 2024-11-26. Review status: criteria provided, single submitter. Criteria: ACMG Guidelines, 2015. Collection method: clinical testing. Allele origin: germline.

Mayo Clinic Laboratories, Mayo Clinic
Classification: Benign. Last evaluated: 2024-06-26. Review status: criteria provided, single submitter. Criteria: ACMG Guidelines, 2015. Collection method: clinical testing. Allele origin: germline. Observed: 4 variant alleles.
Comment: BS1, BS2, BP4

GeneDx
Classification: Uncertain significance. Last evaluated: 2021-02-12. Review status: criteria provided, single submitter. Criteria: GeneDx Variant Classification Process June 2021. Collection method: clinical testing. Allele origin: germline. Affected: yes.
Comment: In silico analysis supports that this variant does not alter splicing; Identified in two related patients with inherited thrombocytopenia, although these patients had a variant in the GFI1B gene that may have also contributed to the phenotype (Johnson et al., 2016); This variant is associated with the following publications: (PMID: 27479822)

Center for Genomics, Ann and Robert H. Lurie Children's Hospital of Chicago
Classification: Uncertain significance for Myopathy, tubular aggregate, 1; Stormorken syndrome; Combined immunodeficiency due to STIM1 deficiency. Review status: criteria provided, single submitter. Criteria: ACMG Guidelines, 2015. Collection method: clinical testing. Allele origin: germline.
Comment: STIM1 NM_001277961.1 exon 11 p.Ala610Thr (c.1828G>A): This variant has been reported in the literature in 1 individual with cutaneous bruising with clinical suspicion for thrombocytopenia of unknown etiology, segregating with disease in 1 affected family member. However, both of these individuals also carried an additional variant of potential clinical significance in a different gene (GFI1B c.814+1G>A) (Johnson 2016 PMID:27479822). This variant is present in 0.2% (202/68194) of European alleles in the Genome Aggregation Database. This variant is present in ClinVar (Variation ID:461722). This variant amino acid Threonine (Thr) is present in several species and is not well conserved among evolutionarily distant species; this suggests that this variant may not impact the protein. Computational predictive tools for this variant are limited or unavailable. In summary, data on this variant is insufficient for disease classification. Therefore, the clinical significance of this variant is uncertain

PreventionGenetics, part of Exact Sciences
Classification: Likely benign for STIM1-related condition. Last evaluated: 2022-02-18. Review status: no assertion criteria provided. Collection method: clinical testing. Allele origin: germline. Not counted in ClinVar's aggregate classification.
Comment: This variant is classified as likely benign based on ACMG/AMP sequence variant interpretation guidelines (Richards et al. 2015 PMID: 25741868, with internal and published modifications).

Literature cited by the submitters: PubMed 27479822 (cited by Mayo Clinic Laboratories, Mayo Clinic).